The following is an entry in ClinVar:

NM_138387.4(G6PC3):c.1001T>C (p.Met334Thr)

Gene: G6PC3 (glucose-6-phosphatase catalytic subunit 3; plus strand). Cytogenetic location: 17q21.31.
Variant type: single nucleotide variant.
Coding change: c.1001T>C on transcript NM_138387.4 (MANE Select); coding-DNA position 1001, T replaced by C.
Protein change: p.Met334Thr; replaces methionine 334 with threonine.
Molecular consequence: missense variant. On other transcripts: 3 prime UTR variant (1).
Genome position (GRCh38, 1-based): chr17:44,076,003, T>C. VCF-style: chr17-44076003-T-C. GRCh37 (hg19) VCF-style: chr17-42153371-T-C.
Other names: c.*294T>C (NM_001319945.2); c.656T>C, p.Met219Thr (NM_001384165.1, NM_001384166.1, NM_001384167.1 and 1 more transcripts); short protein forms M334T, M219T.
Identifiers: ClinVar variation 1037704 (VCV001037704.8), dbSNP rs746741551, ClinGen allele CA8596192.

ClinVar aggregate classification (germline): Uncertain significance (1 of 4 stars; one submission).

Conditions:
Autosomal recessive severe congenital neutropenia due to G6PC3 deficiency. Also called: G6PC3 Deficiency; NEUTROPENIA, SEVERE CONGENITAL, 4, AUTOSOMAL RECESSIVE. Identifiers: Orphanet 331176, MedGen C2751630, MONDO:0012930, OMIM 612541.

Allele frequency attached by ClinVar (database versions not stated): ExAC 0.00002; gnomAD exomes 0.00001 and 0.00002; TOPMed 0.00002.
gnomAD v4.1: 7 of 1,613,222 alleles (0.00043%); highest among the groups gnomAD compares: Admixed American, 0.012%; no homozygotes.

Submission:

Labcorp Genetics (formerly Invitae), Labcorp
Classification: Uncertain significance for Autosomal recessive severe congenital neutropenia due to G6PC3 deficiency. Last evaluated: 2023-08-08. Review status: criteria provided, single submitter. Criteria: Invitae Variant Classification Sherloc (09022015). Collection method: clinical testing. Allele origin: germline.
Comment: This sequence change replaces methionine, which is neutral and non-polar, with threonine, which is neutral and polar, at codon 334 of the G6PC3 protein (p.Met334Thr). This variant is present in population databases (rs746741551, gnomAD 0.01%). This variant has not been reported in the literature in individuals affected with G6PC3-related conditions. ClinVar contains an entry for this variant (Variation ID: 1037704). Advanced modeling of protein sequence and biophysical properties (such as structural, functional, and spatial information, amino acid conservation, physicochemical variation, residue mobility, and thermodynamic stability) performed at Invitae indicates that this missense variant is not expected to disrupt G6PC3 protein function. In summary, the available evidence is currently insufficient to determine the role of this variant in disease. Therefore, it has been classified as a Variant of Uncertain Significance.